The following is an entry in ClinVar:

NM_001375524.1(TRRAP):c.5678T>A (p.Leu1893His)

Gene: TRRAP (transformation/transcription domain associated protein; plus strand). Cytogenetic location: 7q22.1.
Variant type: single nucleotide variant.
Coding change: c.5678T>A on transcript NM_001375524.1 (MANE Select); coding-DNA position 5678, T replaced by A.
Protein change: p.Leu1893His; replaces leucine 1893 with histidine.
Molecular consequence: missense variant.
Genome position (GRCh38, 1-based): chr7:98,953,381, T>A. VCF-style: chr7-98953381-T-A. GRCh37 (hg19) VCF-style: chr7-98551004-T-A.
Other names: c.5657T>A, p.Leu1886His (NM_001244580.2); c.5603T>A, p.Leu1868His (NM_003496.4); short protein forms L1868H, L1886H, L1893H.
Identifiers: ClinVar variation 2857609 (VCV002857609.3), dbSNP rs1791435612, ClinGen allele CA368320990.

ClinVar aggregate classification (germline): Uncertain significance (1 of 4 stars; one submission).

Allele frequency attached by ClinVar (database versions not stated): gnomAD exomes below 0.00001.
gnomAD v4.1: 1 of 1,613,646 alleles (0.000062%); highest among the groups gnomAD compares: Non-Finnish European, 0.000085%; no homozygotes.

Submission:

Labcorp Genetics (formerly Invitae), Labcorp
Classification: Uncertain significance. Last evaluated: 2023-11-27. Review status: criteria provided, single submitter. Criteria: Invitae Variant Classification Sherloc (09022015). Collection method: clinical testing. Allele origin: germline.
Comment: This sequence change replaces leucine, which is neutral and non-polar, with histidine, which is basic and polar, at codon 1868 of the TRRAP protein (p.Leu1868His). This variant is not present in population databases (gnomAD no frequency). This variant has not been reported in the literature in individuals affected with TRRAP-related conditions. Advanced modeling of protein sequence and biophysical properties (such as structural, functional, and spatial information, amino acid conservation, physicochemical variation, residue mobility, and thermodynamic stability) performed at Invitae indicates that this missense variant is expected to disrupt TRRAP protein function with a positive predictive value of 80%. In summary, the available evidence is currently insufficient to determine the role of this variant in disease. Therefore, it has been classified as a Variant of Uncertain Significance.